The following is an entry in ClinVar:

ClinVar aggregate classification (germline): Uncertain significance. Review status: criteria provided, multiple submitters, no conflicts (2 of 4 stars). 2 submissions from 2 submitters: Uncertain significance (2). Last evaluated 2025-06-17.

Conditions:
Metaphyseal anadysplasia 2 (MANDP2). Also called: Metaphyseal anadysplasia 2, autosomal recessive. Identifiers: Orphanet 1040, MedGen C2751322, MONDO:0013113, OMIM 613073.

Allele frequency attached by ClinVar (database versions not stated): ExAC 0.00001; TOPMed 0.00002; gnomAD 0.00001.
gnomAD v4.1: 2 of 1,613,960 alleles (0.00012%); highest among the groups gnomAD compares: Non-Finnish European, 0.00017%; no homozygotes.

Submissions (2):

Labcorp Genetics (formerly Invitae), Labcorp
Classification: Uncertain significance. Last evaluated: 2025-06-17. Review status: criteria provided, single submitter. Criteria: Invitae Variant Classification Sherloc (09022015). Collection method: clinical testing. Allele origin: germline.
Comment: This sequence change replaces glycine, which is neutral and non-polar, with cysteine, which is neutral and slightly polar, at codon 306 of the MMP9 protein (p.Gly306Cys). This variant is present in population databases (rs201344509, gnomAD 0.002%). This variant has not been reported in the literature in individuals affected with MMP9-related conditions. ClinVar contains an entry for this variant (Variation ID: 896097). Invitae Evidence Modeling of protein sequence and biophysical properties (such as structural, functional, and spatial information, amino acid conservation, physicochemical variation, residue mobility, and thermodynamic stability) has been performed for this missense variant. However, the output from this modeling did not meet the statistical confidence thresholds required to predict the impact of this variant on MMP9 protein function. In summary, the available evidence is currently insufficient to determine the role of this variant in disease. Therefore, it has been classified as a Variant of Uncertain Significance.

Illumina Laboratory Services, Illumina
Classification: Uncertain significance for Metaphyseal anadysplasia 2. Last evaluated: 2018-01-13. Review status: criteria provided, single submitter. Criteria: ICSL Variant Classification Criteria 13 December 2019. Collection method: clinical testing. Allele origin: germline.

NM_004994.3(MMP9):c.916G>T (p.Gly306Cys)

Gene: MMP9 (matrix metallopeptidase 9; plus strand). Cytogenetic location: 20q13.12.
Variant type: single nucleotide variant.
Coding change: c.916G>T on transcript NM_004994.3 (MANE Select); coding-DNA position 916, G replaced by T.
Protein change: p.Gly306Cys; replaces glycine 306 with cysteine.
Molecular consequence: missense variant.
Genome position (GRCh38, 1-based): chr20:46,011,666, G>T. VCF-style: chr20-46011666-G-T. GRCh37 (hg19) VCF-style: chr20-44640305-G-T.
Other names: short protein forms G306C.
Identifiers: ClinVar variation 896097 (VCV000896097.5), dbSNP rs201344509, ClinGen allele CA9886559.